The following is an entry in ClinVar:

NM_000748.3(CHRNB2):c.97G>A (p.Val33Met)

Gene: CHRNB2 (cholinergic receptor nicotinic beta 2 subunit; plus strand). Cytogenetic location: 1q21.3.
Variant type: single nucleotide variant.
Coding change: c.97G>A on transcript NM_000748.3 (MANE Select); coding-DNA position 97, G replaced by A.
Protein change: p.Val33Met; replaces valine 33 with methionine.
Molecular consequence: missense variant.
Genome position (GRCh38, 1-based): chr1:154,569,494, G>A. VCF-style: chr1-154569494-G-A. GRCh37 (hg19) VCF-style: chr1-154541970-G-A.
Other names: short protein forms V33M.
Identifiers: ClinVar variation 422302 (VCV000422302.2), dbSNP rs1064795695, ClinGen allele CA16616983.
Genomic context (GRCh38, chr1:154,569,494, plus strand): 5'-ACTTTCGTCCTGCCTTTCCCCTGCCCAGGGGTGTGGGGTACGGATACAGAGGAGCGGCTG[G>A]TGGAGCATCTCCTGGATCCTTCCCGCTACAACAAGCTTATCCGCCCAGCCACCAATGGCT-3'
Protein context (NP_000739.1, residues 23-43): VWGTDTEERL[Val33Met]EHLLDPSRYN

ClinVar aggregate classification (germline): Uncertain significance (1 of 4 stars; one submission).

Submission:

GeneDx
Classification: Uncertain significance. Last evaluated: 2016-09-22. Review status: criteria provided, single submitter. Criteria: GeneDx Variant Classification (06012015). Collection method: clinical testing. Allele origin: germline. Affected: yes.
Comment: A variant of uncertain significance has been identified in the CHRNB2 gene. The V33M variant has not been published as a pathogenic variant, nor has it been reported as a benign variant to our knowledge. It was not observed in approximately 6,500 individuals of European and African American ancestry in the NHLBI Exome Sequencing Project, indicating it is not a common benign variant in these populations. The V33M variant is a conservative amino acid substitution, which is not likely to impact secondary protein structure as these residues share similar properties. This substitution occurs at a position that is where amino acids with similar properties to Valine are tolerated across species. Additionally, this amino acid substitution is not predicted to occur within the transmembrane region of the protein, where the vast majority of pathogenic missense variants have been identified in association with epilepsy (Steinlein et al., 2010). However, in silico analysis is inconsistent in its predictions as to whether or not the variant is damaging to the protein structure/function. Therefore, based on the currently available information, it is unclear whether this variant is a pathogenic variant or a rare benign variant.